The following is an entry in ClinVar:

ClinVar aggregate classification (germline): Uncertain significance (1 of 4 stars; one submission).

Conditions:
Inborn genetic diseases. Identifiers: MedGen C0950123, MeSH D030342.

gnomAD v4.1: 2 of 1,613,850 alleles (0.00012%); highest among the groups gnomAD compares: Admixed American, 0.0017%; no homozygotes.

Submission:

Ambry Genetics
Classification: Uncertain significance for Inborn genetic diseases. Last evaluated: 2025-01-27. Review status: criteria provided, single submitter. Criteria: Ambry Variant Classification Scheme 2023. Collection method: clinical testing. Allele origin: germline.
Comment: The p.D81H variant (also known as c.241G>C), located in coding exon 3 of the FANCA gene, results from a G to C substitution at nucleotide position 241. The aspartic acid at codon 81 is replaced by histidine, an amino acid with similar properties. This amino acid position is conserved. In addition, this alteration is predicted to be tolerated by in silico analysis. Based on the available evidence, the clinical significance of this variant remains unclear.

NM_000135.4(FANCA):c.241G>C (p.Asp81His)

Gene: FANCA (FA complementation group A; minus strand). Cytogenetic location: 16q24.3.
Variant type: single nucleotide variant.
Coding change: c.241G>C on transcript NM_000135.4 (MANE Select); coding-DNA position 241, G replaced by C.
Protein change: p.Asp81His; replaces aspartic acid 81 with histidine.
Molecular consequence: missense variant.
Genome position (GRCh38, 1-based): chr16:89,814,562, C>G on the plus strand (G>C on the coding strand, the complement: FANCA is on the minus strand). VCF-style: chr16-89814562-C-G. GRCh37 (hg19) VCF-style: chr16-89880970-C-G.
Other names: c.241G>C, p.Asp81His (NM_001018112.3, NM_001286167.3, NM_001351830.2); short protein forms D81H.
Identifiers: ClinVar variation 3848150 (VCV003848150.1).